The following is an entry in ClinVar:

NM_080680.3(COL11A2):c.1981G>A (p.Gly661Arg)

Gene: COL11A2 (collagen type XI alpha 2 chain; minus strand). Cytogenetic location: 6p21.32.
Variant type: single nucleotide variant.
Coding change: c.1981G>A on transcript NM_080680.3 (MANE Select); coding-DNA position 1981, G replaced by A.
Protein change: p.Gly661Arg; replaces glycine 661 with arginine.
Molecular consequence: missense variant.
Genome position (GRCh38, 1-based): chr6:33,177,216, C>T on the plus strand (G>A on the coding strand, the complement: COL11A2 is on the minus strand). VCF-style: chr6-33177216-C-T. GRCh37 (hg19) VCF-style: chr6-33144993-C-T.
Other names: G175R; c.1660G>A, p.Gly554Arg (NM_080679.3); c.1723G>A, p.Gly575Arg (NM_080681.3); c.1981G>A (NM_080680.2); short protein forms G554R, G575R, G661R.
Identifiers: ClinVar variation 17121 (VCV000017121.10), dbSNP rs121912945, ClinGen allele CA127087.

ClinVar aggregate classification (germline): Conflicting classifications of pathogenicity. Review status: criteria provided, conflicting classifications (1 of 4 stars). 4 submissions from 4 submitters: Pathogenic (2); Uncertain significance (1). 1 of the submissions does not count toward it. Last evaluated 2025-04-27.

Conditions:
COL11A2-related disorder. Also called: COL11A2-related condition; COL11A2-related disorders.
Otospondylomegaepiphyseal dysplasia, autosomal recessive (OSMEDB). Also called: Insley-Astley syndrome; CHONDRODYSTROPHY WITH SENSORINEURAL DEAFNESS. Identifiers: Orphanet 1427, MedGen CN034493, MONDO:0044206, OMIM 215150.

gnomAD v4.1: 8 of 1,613,058 alleles (0.0005%); highest among the groups gnomAD compares: African/African-American, 0.0013%; no homozygotes.

Submissions (4):

Labcorp Genetics (formerly Invitae), Labcorp
Classification: Pathogenic. Last evaluated: 2025-04-27. Review status: criteria provided, single submitter. Criteria: Invitae Variant Classification Sherloc (09022015). Collection method: clinical testing. Allele origin: germline.
Comment: This sequence change replaces glycine, which is neutral and non-polar, with arginine, which is basic and polar, at codon 661 of the COL11A2 protein (p.Gly661Arg). This variant is present in population databases (rs121912945, gnomAD 0.002%). This missense change has been observed in individual(s) with autosomal recessive otospondylomegaepiphyseal dysplasia (PMID: 7859284). It has also been observed to segregate with disease in related individuals. This variant is also known as Gly175Arg. ClinVar contains an entry for this variant (Variation ID: 17121). Invitae Evidence Modeling of protein sequence and biophysical properties (such as structural, functional, and spatial information, amino acid conservation, physicochemical variation, residue mobility, and thermodynamic stability) indicates that this missense variant is expected to disrupt COL11A2 protein function with a positive predictive value of 95%. For these reasons, this variant has been classified as Pathogenic.

Women's Health and Genetics/Laboratory Corporation of America, LabCorp
Classification: Pathogenic for COL11A2-Related Disorders. Last evaluated: 2025-01-08. Review status: criteria provided, single submitter. Criteria: LabCorp Variant Classification Summary - May 2015. Collection method: clinical testing. Allele origin: germline.
Comment: Variant summary: COL11A2 c.1981G>A (p.Gly661Arg) results in a non-conservative amino acid change in the encoded protein sequence. Five of five in-silico tools predict a damaging effect of the variant on protein function. The variant allele was found at a frequency of 8.1e-06 in 245900 control chromosomes. c.1981G>A has been reported in the literature in multiple homozygous individuals affected with COL11A2-Related autosomal recessive Otospondylomegaepiphyseal dysplasia (Vikkula_1995). These data indicate that the variant is very likely to be associated with disease. To our knowledge, no experimental evidence demonstrating an impact on protein function has been reported. The following publication have been ascertained in the context of this evaluation (PMID: 7859284). ClinVar contains an entry for this variant (Variation ID: 17121). Based on the evidence outlined above, the variant was classified as pathogenic.

GeneDx
Classification: Uncertain significance. Last evaluated: 2024-11-13. Review status: criteria provided, single submitter. Criteria: GeneDx Variant Classification Process June 2021. Collection method: clinical testing. Allele origin: germline. Affected: yes.
Comment: Not observed at significant frequency in large population cohorts (gnomAD); In silico analysis supports that this missense variant has a deleterious effect on protein structure/function; This variant is associated with the following publications: (PMID: 25525159, 7859284)

OMIM
Classification: Pathogenic for OTOSPONDYLOMEGAEPIPHYSEAL DYSPLASIA, AUTOSOMAL RECESSIVE. Last evaluated: 1997-06-13. Review status: no assertion criteria provided. Collection method: literature only. Allele origin: germline. Not counted in ClinVar's aggregate classification.

Literature cited by the submitters: PubMed 7859284 (cited by 3 submitters); PubMed 9188673 (cited by OMIM).